The following is an entry in ClinVar:

ClinVar aggregate classification (germline): Uncertain significance (1 of 4 stars; one submission).

Conditions:
Epileptic encephalopathy. Identifiers: MedGen C0543888, HP:0200134.

Submission:

Labcorp Genetics (formerly Invitae), Labcorp
Classification: Uncertain significance for Epileptic encephalopathy. Last evaluated: 2023-10-05. Review status: criteria provided, single submitter. Criteria: Invitae Variant Classification Sherloc (09022015). Collection method: clinical testing. Allele origin: germline.
Comment: This sequence change replaces glycine, which is neutral and non-polar, with alanine, which is neutral and non-polar, at codon 526 of the GABBR2 protein (p.Gly526Ala). This variant is not present in population databases (gnomAD no frequency). This variant has not been reported in the literature in individuals affected with GABBR2-related conditions. Advanced modeling of protein sequence and biophysical properties (such as structural, functional, and spatial information, amino acid conservation, physicochemical variation, residue mobility, and thermodynamic stability) performed at Invitae indicates that this missense variant is expected to disrupt GABBR2 protein function. Algorithms developed to predict the effect of sequence changes on RNA splicing suggest that this variant may create or strengthen a splice site. In summary, the available evidence is currently insufficient to determine the role of this variant in disease. Therefore, it has been classified as a Variant of Uncertain Significance.

NM_005458.8(GABBR2):c.1577G>C (p.Gly526Ala)

Gene: GABBR2 (gamma-aminobutyric acid type B receptor subunit 2; minus strand). Cytogenetic location: 9q22.33.
Variant type: single nucleotide variant.
Coding change: c.1577G>C on transcript NM_005458.8 (MANE Select); coding-DNA position 1577, G replaced by C.
Protein change: p.Gly526Ala; replaces glycine 526 with alanine.
Molecular consequence: missense variant.
Genome position (GRCh38, 1-based): chr9:98,385,725, C>G on the plus strand (G>C on the coding strand, the complement: GABBR2 is on the minus strand). VCF-style: chr9-98385725-C-G. GRCh37 (hg19) VCF-style: chr9-101148007-C-G.
Other names: short protein forms G526A.
Identifiers: ClinVar variation 2765993 (VCV002765993.3), dbSNP rs2491426647, ClinGen allele CA374210980.